The following is an entry in ClinVar:

NM_000528.4(MAN2B1):c.2225G>A (p.Arg742His)

Gene: MAN2B1 (mannosidase alpha class 2B member 1; minus strand). Cytogenetic location: 19p13.13.
Variant type: single nucleotide variant.
Coding change: c.2225G>A on transcript NM_000528.4 (MANE Select); coding-DNA position 2225, G replaced by A.
Protein change: p.Arg742His; replaces arginine 742 with histidine.
Molecular consequence: missense variant.
Genome position (GRCh38, 1-based): chr19:12,649,955, C>T on the plus strand (G>A on the coding strand, the complement: MAN2B1 is on the minus strand). VCF-style: chr19-12649955-C-T. GRCh37 (hg19) VCF-style: chr19-12760769-C-T.
Other names: c.2222G>A, p.Arg741His (NM_001173498.2); c.2225G>A (NM_000528.3); short protein forms R741H, R742H.
Identifiers: ClinVar variation 1498984 (VCV001498984.6), dbSNP rs370551216, ClinGen allele CA9226154.

ClinVar aggregate classification (germline): Uncertain significance. Review status: criteria provided, multiple submitters, no conflicts (2 of 4 stars). 2 submissions from 2 submitters: Uncertain significance (2). Last evaluated 2025-10-07.

Conditions:
Inborn genetic diseases. Identifiers: MedGen C0950123, MeSH D030342.
Deficiency of alpha-mannosidase (MANSA). Also called: Alpha-Mannosidosis; LYSOSOMAL ALPHA-D-MANNOSIDASE DEFICIENCY; Mannosidosis, alpha-, types I and II. Identifiers: Orphanet 61, MedGen C0024748, MONDO:0009561, OMIM 248500.

Allele frequency attached by ClinVar (database versions not stated): gnomAD 0.00001; ExAC 0.00002; gnomAD exomes 0.00003; ESP Exome Variant Server 0.00008.

Submissions (2):

Ambry Genetics
Classification: Uncertain significance for Inborn genetic diseases. Last evaluated: 2025-10-07. Review status: criteria provided, single submitter. Criteria: Ambry Variant Classification Scheme 2023. Collection method: clinical testing. Allele origin: germline.

Labcorp Genetics (formerly Invitae), Labcorp
Classification: Uncertain significance for Deficiency of alpha-mannosidase. Last evaluated: 2022-08-22. Review status: criteria provided, single submitter. Criteria: Invitae Variant Classification Sherloc (09022015). Collection method: clinical testing. Allele origin: germline.
Comment: This sequence change replaces arginine, which is basic and polar, with histidine, which is basic and polar, at codon 742 of the MAN2B1 protein (p.Arg742His). This variant is present in population databases (rs370551216, gnomAD 0.01%). This variant has not been reported in the literature in individuals affected with MAN2B1-related conditions. ClinVar contains an entry for this variant (Variation ID: 1498984). Algorithms developed to predict the effect of missense changes on protein structure and function (SIFT, PolyPhen-2, Align-GVGD) all suggest that this variant is likely to be tolerated. In summary, the available evidence is currently insufficient to determine the role of this variant in disease. Therefore, it has been classified as a Variant of Uncertain Significance.